The following is an entry in ClinVar:

ClinVar aggregate classification (germline): Uncertain significance (1 of 4 stars; one submission).

Conditions:
Autosomal recessive limb-girdle muscular dystrophy type 2Q (LGMDR17). Also called: MUSCULAR DYSTROPHY, LIMB-GIRDLE, AUTOSOMAL RECESSIVE 17. Identifiers: Orphanet 254361, MedGen C3150989, MONDO:0013390, OMIM 613723.
Epidermolysis bullosa simplex, Ogna type (EBS5A). Also called: Pidermolysis bullosa simplex 5A, Ogna type; EPIDERMOLYSIS BULLOSA SIMPLEX 5A, OGNA TYPE. Identifiers: Orphanet 79401, MedGen C0432317, MONDO:0007555, OMIM 131950.
Epidermolysis bullosa simplex 5B, with muscular dystrophy (EBS5B). Also called: EPIDERMOLYSIS BULLOSA SIMPLEX AND LIMB-GIRDLE MUSCULAR DYSTROPHY; Epidermolysis bullosa simplex with muscular dystrophy. Identifiers: Orphanet 257, MedGen C2931072, MONDO:0009181, OMIM 226670.
Epidermolysis bullosa simplex 5C, with pyloric atresia (EBS5C). Also called: Epidermolysis bullosa simplex with pyloric atresia; PLEC-Related Epidermolysis Bullosa with Pyloric Atresia; PLEC1-Related Epidermolysis Bullosa with Pyloric Atresia. Identifiers: Orphanet 158684, MedGen C2677349, MONDO:0012807, OMIM 612138.
Epidermolysis bullosa simplex with nail dystrophy (EBS5D). Identifiers: MedGen C4225309, MONDO:0014661, OMIM 616487.

Submission:

Labcorp Genetics (formerly Invitae), Labcorp
Classification: Uncertain significance for Autosomal recessive limb-girdle muscular dystrophy type 2Q; Epidermolysis bullosa simplex, Ogna type; Epidermolysis bullosa simplex with nail dystrophy; Epidermolysis bullosa simplex 5C, with pyloric atresia; Epidermolysis bullosa simplex 5B, with muscular dystrophy. Last evaluated: 2022-11-01. Review status: criteria provided, single submitter. Criteria: Invitae Variant Classification Sherloc (09022015). Collection method: clinical testing. Allele origin: germline.
Comment: This sequence change replaces glutamine, which is neutral and polar, with proline, which is neutral and non-polar, at codon 2294 of the PLEC protein (p.Gln2294Pro). This variant is not present in population databases (gnomAD no frequency). In summary, the available evidence is currently insufficient to determine the role of this variant in disease. Therefore, it has been classified as a Variant of Uncertain Significance. Algorithms developed to predict the effect of missense changes on protein structure and function are either unavailable or do not agree on the potential impact of this missense change (SIFT: "Tolerated"; PolyPhen-2: "Possibly Damaging"; Align-GVGD: "Class C0"). ClinVar contains an entry for this variant (Variation ID: 1511766). This variant has not been reported in the literature in individuals affected with PLEC-related conditions.

NM_201384.3(PLEC):c.6800A>C (p.Gln2267Pro)

Gene: PLEC (plectin; minus strand). Cytogenetic location: 8q24.3.
Variant type: single nucleotide variant.
Coding change: c.6800A>C on transcript NM_201384.3 (MANE Select); coding-DNA position 6800, A replaced by C.
Protein change: p.Gln2267Pro; replaces glutamine 2267 with proline.
Molecular consequence: missense variant.
Genome position (GRCh38, 1-based): chr8:143,923,129, T>G on the plus strand (A>C on the coding strand, the complement: PLEC is on the minus strand). VCF-style: chr8-143923129-T-G. GRCh37 (hg19) VCF-style: chr8-144997297-T-G.
Other names: c.6881A>C, p.Gln2294Pro (NM_000445.5); c.6758A>C, p.Gln2253Pro (NM_201378.4); c.6734A>C, p.Gln2245Pro (NM_201379.3); c.7211A>C, p.Gln2404Pro (NM_201380.4); c.6704A>C, p.Gln2235Pro (NM_201381.3); c.6800A>C, p.Gln2267Pro (NM_201382.4); c.6812A>C, p.Gln2271Pro (NM_201383.3); short protein forms Q2271P, Q2294P, Q2253P, Q2404P, Q2235P, Q2245P, Q2267P.
Identifiers: ClinVar variation 1511766 (VCV001511766.6), dbSNP rs2131304063, ClinGen allele CA372532386.